The following is an entry in ClinVar:

NM_003482.4(KMT2D):c.858dup (p.Lys287Ter)

Gene: KMT2D (lysine methyltransferase 2D; minus strand). Cytogenetic location: 12q13.12.
Variant type: Duplication.
Coding change: c.858dup on transcript NM_003482.4 (MANE Select); coding-DNA position 858, one base duplicated (T; older notation c.858dupT).
Protein change: p.Lys287Ter; replaces lysine 287 with a stop codon.
Molecular consequence: nonsense.
Genome position (GRCh38, 1-based): chr12:49,053,303, A duplicated on the plus strand (T on the coding strand, the reverse complement: KMT2D is on the minus strand). VCF-style (leftmost placement, unchanged base first): chr12-49053302-T-TA. GRCh37 (hg19) VCF-style: chr12-49447085-T-TA.
Other names: c.858dupT (NM_003482.3); short protein forms K287*.
Identifiers: ClinVar variation 817588 (VCV000817588.8), dbSNP rs1592159924, ClinGen allele CA891842138.

ClinVar aggregate classification (germline): Pathogenic/Likely pathogenic. Review status: criteria provided, multiple submitters, no conflicts (2 of 4 stars). 3 submissions from 3 submitters: Pathogenic (2); Likely pathogenic (1). Last evaluated 2023-06-07.

Conditions:
Kabuki syndrome 1 (KABUK1). Also called: KMT2D-Related Kabuki Syndrome. Identifiers: Orphanet 2322, MedGen CN030661, MONDO:0007843, OMIM 147920.

Allele frequency attached by ClinVar (database versions not stated): TOPMed below 0.00001.

Submissions (3):

3billion
Classification: Pathogenic for Kabuki syndrome 1. Last evaluated: 2023-06-07. Review status: criteria provided, single submitter. Criteria: ACMG Guidelines, 2015. Collection method: clinical testing. Allele origin: germline. Affected: yes.
Comment: The variant is not observed in the gnomAD v2.1.1 dataset. Predicted Consequence/Location: Stop-gained (nonsense): predicted to result in a loss or disruption of normal protein function through nonsense-mediated decay (NMD) or protein truncation. Multiple pathogenic variants are reported downstream of the variant. The variant has been reported at least twice as pathogenic without evidence for the classification (ClinVar ID: VCV000817588 /PMID: 31363182). Therefore, this variant is classified as Pathogenic according to the recommendation of ACMG/AMP guideline.

GeneDx
Classification: Pathogenic. Last evaluated: 2021-11-09. Review status: criteria provided, single submitter. Criteria: GeneDx Variant Classification Process June 2021. Collection method: clinical testing. Allele origin: germline. Affected: yes.
Comment: Nonsense variant predicted to result in protein truncation or nonsense mediated decay in a gene for which loss-of-function is a known mechanism of disease; Not observed at significant frequency in large population cohorts (Lek et al., 2016); Identified in a patient with Kabuki syndrome in published literature (Margot et al., 2020); This variant is associated with the following publications: (PMID: 31363182)

Centre for Mendelian Genomics, University Medical Centre Ljubljana
Classification: Likely pathogenic for Kabuki syndrome 1. Last evaluated: 2016-01-01. Review status: criteria provided, single submitter. Criteria: ACMG Guidelines, 2015. Collection method: clinical testing. Allele origin: unknown. Affected: yes.
Comment: This variant was classified as: Likely pathogenic. The following ACMG criteria were applied in classifying this variant: PVS1,PM2.

Literature cited by the submitters: PubMed 31363182 (cited by 3billion).